The following is an entry in ClinVar:

ClinVar aggregate classification (germline): Likely benign. Review status: criteria provided, multiple submitters, no conflicts (2 of 4 stars). 4 submissions from 4 submitters: Likely benign (4). Last evaluated 2024-12-13.

Conditions:
Inborn genetic diseases. Identifiers: MedGen C0950123, MeSH D030342.
CHARGE syndrome (CHARGE). Also called: Hittner Hirsch Kreh syndrome; CHARGE ASSOCIATION--COLOBOMA, HEART ANOMALY, CHOANAL ATRESIA, RETARDATION, GENITAL AND EAR ANOMALIES; Coloboma, heart anomaly, choanal atresia, retardation, genital and ear anomalies; CHARGE association; Hall-Hittner syndrome. Identifiers: Orphanet 138, MedGen C0265354, MONDO:0008965.
CHD7-related disorder. Also called: CHD7-related condition.

Allele frequency attached by ClinVar (database versions not stated): gnomAD 0.00001 and 0.00002; TOPMed 0.00006.
gnomAD v4.1: 5 of 1,613,826 alleles (0.00031%); highest among the groups gnomAD compares: Admixed American, 0.0033%; no homozygotes.

Submissions (4):

PreventionGenetics, part of Exact Sciences
Classification: Likely benign for CHD7-related condition. Last evaluated: 2024-12-13. Review status: criteria provided, single submitter. Criteria: ACMG Guidelines, 2015. Collection method: clinical testing. Allele origin: germline.
Comment: This variant is classified as likely benign based on ACMG/AMP sequence variant interpretation guidelines (Richards et al. 2015 PMID: 25741868, with internal and published modifications).

Labcorp Genetics (formerly Invitae), Labcorp
Classification: Likely benign for CHARGE syndrome. Last evaluated: 2024-10-21. Review status: criteria provided, single submitter. Criteria: Invitae Variant Classification Sherloc (09022015). Collection method: clinical testing. Allele origin: germline.

Ambry Genetics
Classification: Likely benign for Inborn genetic diseases. Last evaluated: 2024-06-07. Review status: criteria provided, single submitter. Criteria: Ambry Variant Classification Scheme 2023. Collection method: clinical testing. Allele origin: germline.

GeneDx
Classification: Likely benign. Last evaluated: 2018-11-07. Review status: criteria provided, single submitter. Criteria: GeneDx Variant Classification Process June 2021. Collection method: clinical testing. Allele origin: germline. Affected: yes.

NM_017780.4(CHD7):c.705G>A (p.Leu235=)

Gene: CHD7 (chromodomain helicase DNA binding protein 7; plus strand). Cytogenetic location: 8q12.2.
Variant type: single nucleotide variant.
Coding change: c.705G>A on transcript NM_017780.4 (MANE Select); coding-DNA position 705, G replaced by A.
Protein change: p.Leu235=; no amino-acid change (leucine 235 retained).
Molecular consequence: synonymous variant.
Genome position (GRCh38, 1-based): chr8:60,742,137, G>A. VCF-style: chr8-60742137-G-A. GRCh37 (hg19) VCF-style: chr8-61654696-G-A.
Other names: c.705G>A (NM_017780.3); c.705G>A, p.Leu235= (NM_001316690.1).
Identifiers: ClinVar variation 1093718 (VCV001093718.14), dbSNP rs918029767, ClinGen allele CA177312919.